The following is an entry in ClinVar:

NM_000304.4(PMP22):c.292A>G (p.Ile98Val)

Gene: PMP22 (peripheral myelin protein 22; minus strand). Cytogenetic location: 17p12.
Variant type: single nucleotide variant.
Coding change: c.292A>G on transcript NM_000304.4 (MANE Select); coding-DNA position 292, A replaced by G.
Protein change: p.Ile98Val; replaces isoleucine 98 with valine.
Molecular consequence: missense variant. On other transcripts: non-coding transcript variant (2).
Genome position (GRCh38, 1-based): chr17:15,239,498, T>C on the plus strand (A>G on the coding strand, the complement: PMP22 is on the minus strand). VCF-style: chr17-15239498-T-C. GRCh37 (hg19) VCF-style: chr17-15142815-T-C.
Other names: c.292A>G, p.Ile98Val (NM_001281455.2, NM_001281456.2, NM_001330143.2 and 2 more transcripts); short protein forms I98V.
Identifiers: ClinVar variation 1517222 (VCV001517222.8), dbSNP rs748778392, ClinGen allele CA288098219.

ClinVar aggregate classification (germline): Uncertain significance (1 of 4 stars; one submission).

Conditions:
Charcot-Marie-Tooth disease, type I (CMT1). Also called: Charcot-Marie-Tooth disease type 1; Charcot-Marie-Tooth, Type 1. Identifiers: Orphanet 65753, MedGen C0751036, MONDO:0019011.

gnomAD v4.1: 3 of 1,614,206 alleles (0.00019%); highest among the groups gnomAD compares: Non-Finnish European, 0.00025%; no homozygotes.

Submission:

Labcorp Genetics (formerly Invitae), Labcorp
Classification: Uncertain significance for Charcot-Marie-Tooth disease, type I. Last evaluated: 2024-02-24. Review status: criteria provided, single submitter. Criteria: Invitae Variant Classification Sherloc (09022015). Collection method: clinical testing. Allele origin: germline.
Comment: This sequence change replaces isoleucine, which is neutral and non-polar, with valine, which is neutral and non-polar, at codon 98 of the PMP22 protein (p.Ile98Val). This variant is present in population databases (no rsID available, gnomAD 0.0009%). This variant has not been reported in the literature in individuals affected with PMP22-related conditions. ClinVar contains an entry for this variant (Variation ID: 1517222). Advanced modeling of protein sequence and biophysical properties (such as structural, functional, and spatial information, amino acid conservation, physicochemical variation, residue mobility, and thermodynamic stability) performed at Invitae indicates that this missense variant is not expected to disrupt PMP22 protein function with a negative predictive value of 95%. In summary, the available evidence is currently insufficient to determine the role of this variant in disease. Therefore, it has been classified as a Variant of Uncertain Significance.